The following is an entry in ClinVar:

ClinVar aggregate classification (germline): Pathogenic/Likely pathogenic. Review status: criteria provided, multiple submitters, no conflicts (2 of 4 stars). 6 submissions from 6 submitters: Pathogenic (3); Likely pathogenic (1). 2 of the submissions do not count toward it. Last evaluated 2025-08-29.

Conditions:
HACE1-related disorders.
Generalized hypotonia. Identifiers: MedGen C1858120, HP:0001290.
Seizure. Also called: Seizures. Identifiers: MedGen C0036572, HP:0001250.
Global developmental delay (DD). Also called: Cognitive delay. Identifiers: MedGen C0557874, HP:0001263. Disease mechanism: loss of function.
Spastic paraplegia-severe developmental delay-epilepsy syndrome. Also called: Spastic paraplegia and psychomotor retardation with or without seizures. Identifiers: Orphanet 464282, MedGen C4225215, MONDO:0014764, OMIM 616756.
Intellectual disability. Also called: Intellectual functioning disability; intellectual disabilities; Intellectual developmental disorder. Identifiers: MedGen C3714756, MeSH D008607, MONDO:0001071, HP:0001249.

Allele frequency attached by ClinVar (database versions not stated): gnomAD exomes below 0.00001 and 0.00001; ExAC 0.00001; gnomAD 0.00001; TOPMed 0.00001.
gnomAD v4.1: 10 of 1,488,426 alleles (0.00067%); highest among the groups gnomAD compares: South Asian, 0.0045%; no homozygotes.

Submissions (6):

GeneDx
Classification: Pathogenic. Last evaluated: 2025-08-29. Review status: criteria provided, single submitter. Criteria: GeneDx Variant Classification Process June 2021. Collection method: clinical testing. Allele origin: germline.
Comment: Nonsense variant predicted to result in protein truncation or nonsense mediated decay in a gene for which loss of function is a known mechanism of disease; Not observed at significant frequency in large population cohorts (gnomAD); This variant is associated with the following publications: (PMID: 37541188, 26437029, 32581362, 36553453, 35519826, 38899231)

Labcorp Genetics (formerly Invitae), Labcorp
Classification: Pathogenic. Last evaluated: 2023-05-02. Review status: criteria provided, single submitter. Criteria: Invitae Variant Classification Sherloc (09022015). Collection method: clinical testing. Allele origin: germline.
Comment: This sequence change creates a premature translational stop signal (p.Arg269*) in the HACE1 gene. It is expected to result in an absent or disrupted protein product. Loss-of-function variants in HACE1 are known to be pathogenic (PMID: 26424145, 26437029). This premature translational stop signal has been observed in individual(s) with neurological and developmental disorders (PMID: 26437029, 32581362). The frequency data for this variant in the population databases is considered unreliable, as metrics indicate poor data quality at this position in the gnomAD database. For these reasons, this variant has been classified as Pathogenic. Algorithms developed to predict the effect of sequence changes on RNA splicing suggest that this variant may disrupt the consensus splice site. ClinVar contains an entry for this variant (Variation ID: 221295).

Cambridge Genomics Laboratory, East Genomic Laboratory Hub, NHS Genomic Medicine Service
Classification: Pathogenic for Intellectual disability. Last evaluated: 2019-09-03. Review status: criteria provided, single submitter. Criteria: ACGS Best Practice Guidelines for Variant Classification in Rare Disease 2020. Collection method: clinical testing. Allele origin: germline. Affected: yes. Observed: 1 variant allele.

Blueprint Genetics
Classification: Likely pathogenic for HACE1-related disorders. Last evaluated: 2018-11-27. Review status: criteria provided, single submitter. Criteria: ACMG Guidelines, 2015. Collection method: clinical testing. Allele origin: germline. Affected: yes. Observed: 1 variant allele.

OMIM
Classification: Pathogenic for SPASTIC PARAPLEGIA AND PSYCHOMOTOR RETARDATION WITH OR WITHOUT SEIZURES. Last evaluated: 2016-02-04. Review status: no assertion criteria provided. Collection method: literature only. Allele origin: germline. Not counted in ClinVar's aggregate classification.

NIHR Bioresource Rare Diseases, University of Cambridge
Classification: Pathogenic for Seizure; Global developmental delay; Generalized hypotonia. Review status: no assertion criteria provided. Collection method: research. Allele origin: unknown. Affected: yes. Observed: 1 variant allele. Not counted in ClinVar's aggregate classification.

Literature cited by the submitters: PubMed 26424145 (cited by Labcorp Genetics (formerly Invitae), Labcorp); PubMed 26437029 (cited by Labcorp Genetics (formerly Invitae), Labcorp and OMIM); PubMed 32581362 (cited by Labcorp Genetics (formerly Invitae), Labcorp and NIHR Bioresource Rare Diseases, University of Cambridge).

NM_020771.4(HACE1):c.805C>T (p.Arg269Ter)

Gene: HACE1 (HECT domain and ankyrin repeat containing E3 ubiquitin protein ligase 1; minus strand). Cytogenetic location: 6q16.3.
Variant type: single nucleotide variant.
Coding change: c.805C>T on transcript NM_020771.4 (MANE Select); coding-DNA position 805, C replaced by T.
Protein change: p.Arg269Ter; replaces arginine 269 with a stop codon.
Molecular consequence: nonsense. On other transcripts: non-coding transcript variant (7).
Genome position (GRCh38, 1-based): chr6:104,796,666, G>A on the plus strand (C>T on the coding strand, the complement: HACE1 is on the minus strand). VCF-style: chr6-104796666-G-A. GRCh37 (hg19) VCF-style: chr6-105244541-G-A.
Other names: c.673C>T, p.Arg225Ter (NM_001321080.2); c.703C>T, p.Arg235Ter (NM_001321083.2); c.301C>T, p.Arg101Ter (NM_001321084.2, NM_001350557.2, NM_001350558.2); c.571C>T, p.Arg191Ter (NM_001350554.2); c.514C>T, p.Arg172Ter (NM_001350555.2); c.319C>T, p.Arg107Ter (NM_001350556.2); c.223C>T, p.Arg75Ter (NM_001350559.2); c.22C>T, p.Arg8Ter (NM_001350560.2); short protein forms R269*, R235*, R225*, R101*, R172*, R75*, R8*, R107*.
Identifiers: ClinVar variation 221295 (VCV000221295.12), dbSNP rs750371878, ClinGen allele CA058429.
Genomic context (GRCh38, chr6:104,796,666, plus strand): 5'-GCAGGAATAAAGCTTCTTCATTTACAAGCTACTATCACAAATACAATACCATGTTTTCTC[G>A]GAGGTCTTCATTCTGTGTCATTTGAATAATAGTCTGAAAAAGCCTCGGGTGATATTGAAT-3'